The following is an entry in ClinVar:

NM_182914.3(SYNE2):c.7950G>T (p.Gln2650His)

Gene: SYNE2 (spectrin repeat containing nuclear envelope protein 2; plus strand). Cytogenetic location: 14q23.2.
Variant type: single nucleotide variant.
Coding change: c.7950G>T on transcript NM_182914.3 (MANE Select); coding-DNA position 7950, G replaced by T.
Protein change: p.Gln2650His; replaces glutamine 2650 with histidine.
Molecular consequence: missense variant.
Genome position (GRCh38, 1-based): chr14:64,051,863, G>T. VCF-style: chr14-64051863-G-T. GRCh37 (hg19) VCF-style: chr14-64518581-G-T.
Other names: c.7950G>T, p.Gln2650His (NM_015180.6); short protein forms Q2650H.
Identifiers: ClinVar variation 4706819 (VCV004706819.1).

ClinVar aggregate classification (germline): Uncertain significance (1 of 4 stars; one submission).

Conditions:
Emery-Dreifuss muscular dystrophy 5, autosomal dominant (EDMD5). Also called: EMERY-DREIFUSS MUSCULAR DYSTROPHY 5. Identifiers: Orphanet 261, MedGen C2751805, MONDO:0013072, OMIM 612999.

Submission:

Labcorp Genetics (formerly Invitae), Labcorp
Classification: Uncertain significance for Emery-Dreifuss muscular dystrophy 5, autosomal dominant. Last evaluated: 2026-01-03. Review status: criteria provided, single submitter. Criteria: Invitae Variant Classification Sherloc (09022015). Collection method: clinical testing. Allele origin: germline.
Comment: This sequence change replaces glutamine, which is neutral and polar, with histidine, which is basic and polar, at codon 2650 of the SYNE2 protein (p.Gln2650His). This variant is not present in population databases (gnomAD no frequency). This variant has not been reported in the literature in individuals affected with SYNE2-related conditions. An algorithm developed to predict the effect of missense changes on protein structure and function outputs the following: PolyPhen-2: "Possibly Damaging". The histidine amino acid residue is found in multiple mammalian species, which suggests that this missense change does not adversely affect protein function. In summary, the available evidence is currently insufficient to determine the role of this variant in disease. Therefore, it has been classified as a Variant of Uncertain Significance.